The following is an entry in ClinVar:

NM_003327.4(TNFRSF4):c.437+5G>A

Gene: TNFRSF4 (TNF receptor superfamily member 4; minus strand). Cytogenetic location: 1p36.33.
Variant type: single nucleotide variant.
Coding change: c.437+5G>A on transcript NM_003327.4 (MANE Select); 5 bases into the intron after coding-DNA position 437, G replaced by A.
Molecular consequence: intron variant.
Genome position (GRCh38, 1-based): chr1:1,212,633, C>T on the plus strand (G>A on the coding strand, the complement: TNFRSF4 is on the minus strand). VCF-style: chr1-1212633-C-T. GRCh37 (hg19) VCF-style: chr1-1148013-C-T.
Identifiers: ClinVar variation 999662 (VCV000999662.6), dbSNP rs1557506739, ClinGen allele CA1148810082.
Genomic context (GRCh38, chr1:1,212,633, plus strand): 5'-CCTCCGCCCTCCTAACCACCCCAACCCCCCCCCAGCCCCTCCCAGCCCCTGGCCAGGCCC[C>T]TCACTTGGTCCAGGGCTTGCAGGCCTGGTTGTCGCCTGGGGAGAAGTGCCCTGGAGGGCA-3'

ClinVar aggregate classification (germline): Uncertain significance (1 of 4 stars; one submission).

Conditions:
Combined immunodeficiency due to OX40 deficiency. Also called: Immunodeficiency 16; OX40 DEFICIENCY. Identifiers: Orphanet 431149, MedGen C3810053, MONDO:0014268, OMIM 615593.

Allele frequency attached by ClinVar (database versions not stated): TOPMed below 0.00001.
gnomAD v4.1: 9 of 1,531,972 alleles (0.00059%); highest among the groups gnomAD compares: South Asian, 0.0012%; no homozygotes.

Submission:

Labcorp Genetics (formerly Invitae), Labcorp
Classification: Uncertain significance for Combined immunodeficiency due to OX40 deficiency. Last evaluated: 2024-05-13. Review status: criteria provided, single submitter. Criteria: Invitae Variant Classification Sherloc (09022015). Collection method: clinical testing. Allele origin: germline.
Comment: This sequence change falls in intron 4 of the TNFRSF4 gene. It does not directly change the encoded amino acid sequence of the TNFRSF4 protein. It affects a nucleotide within the consensus splice site. This variant is not present in population databases (gnomAD no frequency). This variant has not been reported in the literature in individuals affected with TNFRSF4-related conditions. ClinVar contains an entry for this variant (Variation ID: 999662). Variants that disrupt the consensus splice site are a relatively common cause of aberrant splicing (PMID: 17576681, 9536098). Algorithms developed to predict the effect of sequence changes on RNA splicing suggest that this variant may disrupt the consensus splice site. In summary, the available evidence is currently insufficient to determine the role of this variant in disease. Therefore, it has been classified as a Variant of Uncertain Significance.

Literature cited by the submitters: PubMed 17576681; PubMed 9536098.